The following is an entry in ClinVar:

ClinVar aggregate classification (germline): Uncertain significance (1 of 4 stars; one submission).

Allele frequency attached by ClinVar (database versions not stated): TOPMed 0.00002; gnomAD 0.00003 and 0.00004; ExAC 0.00004.
gnomAD v4.1: 48 of 1,612,756 alleles (0.003%); highest among the groups gnomAD compares: South Asian, 0.011%; 1 homozygote.

Submission:

Labcorp Genetics (formerly Invitae), Labcorp
Classification: Uncertain significance. Last evaluated: 2021-10-25. Review status: criteria provided, single submitter. Criteria: Invitae Variant Classification Sherloc (09022015). Collection method: clinical testing. Allele origin: germline.
Comment: This variant has not been reported in the literature in individuals affected with WBP2-related conditions. In summary, the available evidence is currently insufficient to determine the role of this variant in disease. Therefore, it has been classified as a Variant of Uncertain Significance. Algorithms developed to predict the effect of missense changes on protein structure and function output the following: SIFT: "Tolerated"; PolyPhen-2: "Benign"; Align-GVGD: "Class C15". The cysteine amino acid residue is found in multiple mammalian species, which suggests that this missense change does not adversely affect protein function. This variant is present in population databases (rs745899193, ExAC 0.006%). This sequence change replaces tyrosine with cysteine at codon 25 of the WBP2 protein (p.Tyr25Cys). The tyrosine residue is moderately conserved and there is a large physicochemical difference between tyrosine and cysteine.

NM_012478.4(WBP2):c.74A>G (p.Tyr25Cys)

Gene: WBP2 (WW domain binding protein 2; minus strand). Cytogenetic location: 17q25.1.
Variant type: single nucleotide variant.
Coding change: c.74A>G on transcript NM_012478.4 (MANE Select); coding-DNA position 74, A replaced by G.
Protein change: p.Tyr25Cys; replaces tyrosine 25 with cysteine.
Molecular consequence: missense variant.
Genome position (GRCh38, 1-based): chr17:75,851,662, T>C on the plus strand (A>G on the coding strand, the complement: WBP2 is on the minus strand). VCF-style: chr17-75851662-T-C. GRCh37 (hg19) VCF-style: chr17-73847743-T-C.
Other names: c.74A>G, p.Tyr25Cys (NM_001330499.2, NM_001348170.1); short protein forms Y25C.
Identifiers: ClinVar variation 1429042 (VCV001429042.6), dbSNP rs745899193, ClinGen allele CA8774041.